The following is an entry in ClinVar:

NM_006766.5(KAT6A):c.1285dup (p.Glu429fs)

Gene: KAT6A (lysine acetyltransferase 6A; minus strand). Cytogenetic location: 8p11.21.
Variant type: Duplication.
Coding change: c.1285dup on transcript NM_006766.5 (MANE Select); coding-DNA position 1285, one base duplicated (G; older notation c.1285dupG).
Protein change: p.Glu429fs; shifts the reading frame from glutamic acid 429.
Molecular consequence: frameshift variant.
Genome position (GRCh38, 1-based): chr8:41,977,086, C duplicated on the plus strand (G on the coding strand, the reverse complement: KAT6A is on the minus strand); the first of 6 consecutive C bases (chr8:41,977,086-41,977,091); duplicating any one gives the same sequence. VCF-style (leftmost placement, unchanged base first): chr8-41977085-T-TC. GRCh37 (hg19) VCF-style: chr8-41834603-T-TC.
Other names: c.1285dup, p.Glu429fs (NM_001305878.2); short protein forms E429fs.
Identifiers: ClinVar variation 4680867 (VCV004680867.1).

ClinVar aggregate classification (germline): Pathogenic (1 of 4 stars; one submission).

Submission:

GeneDx
Classification: Pathogenic. Last evaluated: 2025-07-02. Review status: criteria provided, single submitter. Criteria: GeneDx Variant Classification Process June 2021. Collection method: clinical testing. Allele origin: germline. Affected: yes.
Comment: Frameshift variant predicted to result in protein truncation or nonsense mediated decay in a gene for which loss of function is a known mechanism of disease; Not observed at significant frequency in large population cohorts (gnomAD); This variant is associated with the following publications: (PMID: 35892268)